The following is an entry in ClinVar:

NM_000077.5(CDKN2A):c.98A>T (p.Glu33Val)

Gene: CDKN2A (cyclin dependent kinase inhibitor 2A; minus strand). Cytogenetic location: 9p21.3.
Variant type: single nucleotide variant.
Coding change: c.98A>T on transcript NM_000077.5; coding-DNA position 98, A replaced by T.
Protein change: p.Glu33Val; replaces glutamic acid 33 with valine.
Molecular consequence: missense variant (on NM_000077.6). On other transcripts: intron variant (2).
Genome position (GRCh38, 1-based): chr9:21,974,730, T>A on the plus strand (A>T on the coding strand, the complement: CDKN2A is on the minus strand). VCF-style: chr9-21974730-T-A. GRCh37 (hg19) VCF-style: chr9-21974729-T-A.
Other names: c.98A>T, p.Glu33Val (NM_000077.6, NM_001195132.2, NM_058197.5); c.-3-3522A>T (NM_001363763.2); c.194-3522A>T (NM_058195.4); short protein forms E33V.
Identifiers: ClinVar variation 2863240 (VCV002863240.3), dbSNP rs2489291265, ClinGen allele CA373086567.

ClinVar aggregate classification (germline): Uncertain significance (1 of 4 stars; one submission).

Conditions:
Familial melanoma. Also called: Hereditary melanoma; Hereditary cutaneous melanoma. Identifiers: Orphanet 618, MedGen C1512419, MONDO:0018961.

Submission:

Labcorp Genetics (formerly Invitae), Labcorp
Classification: Uncertain significance for Familial melanoma. Last evaluated: 2023-11-12. Review status: criteria provided, single submitter. Criteria: Invitae Variant Classification Sherloc (09022015). Collection method: clinical testing. Allele origin: germline.
Comment: This sequence change replaces glutamic acid, which is acidic and polar, with valine, which is neutral and non-polar, at codon 33 of the CDKN2A (p16INK4a) protein (p.Glu33Val). This variant is not present in population databases (gnomAD no frequency). This variant has not been reported in the literature in individuals affected with CDKN2A (p16INK4a)-related conditions. An algorithm developed to predict the effect of missense changes on protein structure and function (PolyPhen-2) suggests that this variant is likely to be tolerated. In summary, the available evidence is currently insufficient to determine the role of this variant in disease. Therefore, it has been classified as a Variant of Uncertain Significance.